The following is an entry in ClinVar:

NM_182961.4(SYNE1):c.20450G>A (p.Arg6817Gln)

Gene: SYNE1 (spectrin repeat containing nuclear envelope protein 1; minus strand). Cytogenetic location: 6q25.2.
Variant type: single nucleotide variant.
Coding change: c.20450G>A on transcript NM_182961.4 (MANE Select); coding-DNA position 20450, G replaced by A.
Protein change: p.Arg6817Gln; replaces arginine 6817 with glutamine.
Molecular consequence: missense variant.
Genome position (GRCh38, 1-based): chr6:152,234,747, C>T on the plus strand (G>A on the coding strand, the complement: SYNE1 is on the minus strand). VCF-style: chr6-152234747-C-T. GRCh37 (hg19) VCF-style: chr6-152555882-C-T.
Other names: c.20237G>A, p.Arg6746Gln (NM_033071.5); short protein forms R6746Q, R6817Q.
Identifiers: ClinVar variation 2049699 (VCV002049699.19), dbSNP rs201037542, ClinGen allele CA4054426.
Genomic context (GRCh38, chr6:152,234,747, plus strand): 5'-TCACGGACCATTTCCAGCTCTTGTGGGACTGTCACAGATTGCTGAGTCCAAAATTCTAGC[C>T]GGTCTTTTGCAGATTGTAACCAGTGAATTAGATCTGCAGATTCACTTTGATATCTGTTAA-3'
Protein context (NP_892006.3, residues 6807-6827): LIHWLQSAKD[Arg6817Gln]LEFWTQQSVT

ClinVar aggregate classification (germline): Uncertain significance. Review status: criteria provided, multiple submitters, no conflicts (2 of 4 stars). 3 submissions from 3 submitters: Uncertain significance (3). Last evaluated 2024-09-01.

Conditions:
Emery-Dreifuss muscular dystrophy 4, autosomal dominant (EDMD4). Also called: EMERY-DREIFUSS MUSCULAR DYSTROPHY 4 WITH VARIABLE FEATURES. Identifiers: Orphanet 261, MedGen C2751807, MONDO:0013071, OMIM 612998.
Autosomal recessive ataxia, Beauce type. Also called: SYNE1 Deficiency; Spinocerebellar ataxia, autosomal recessive 8; ATAXIA, RECESSIVE, OF BEAUCE; SYNE1-Related Autosomal Recessive Cerebellar Ataxia. Identifiers: Orphanet 88644, MedGen C1853116, MONDO:0012549, OMIM 610743.

Allele frequency attached by ClinVar (database versions not stated): gnomAD 0.00004; TOPMed 0.00004; ExAC 0.00005; gnomAD exomes 0.00008; 1000 Genomes Project 30x 0.00016; 1000 Genomes Project 0.00020.
gnomAD v4.1: 125 of 1,614,178 alleles (0.0077%); highest among the groups gnomAD compares: Non-Finnish European, 0.0097%; no homozygotes.

Submissions (3):

CeGaT Center for Human Genetics Tuebingen
Classification: Uncertain significance. Last evaluated: 2024-09-01. Review status: criteria provided, single submitter. Criteria: CeGaT Center For Human Genetics Tuebingen Variant Classification Criteria Version 2. Collection method: clinical testing. Allele origin: germline. Affected: yes. Observed: 1 variant allele.
Comment: SYNE1: PM5, BP4

Revvity Omics, Revvity
Classification: Uncertain significance. Last evaluated: 2024-04-11. Review status: criteria provided, single submitter. Criteria: ACMG Guidelines, 2015. Collection method: clinical testing. Allele origin: germline.

Labcorp Genetics (formerly Invitae), Labcorp
Classification: Uncertain significance for Emery-Dreifuss muscular dystrophy 4, autosomal dominant; Autosomal recessive ataxia, Beauce type. Last evaluated: 2024-02-24. Review status: criteria provided, single submitter. Criteria: Invitae Variant Classification Sherloc (09022015). Collection method: clinical testing. Allele origin: germline.
Comment: This sequence change replaces arginine, which is basic and polar, with glutamine, which is neutral and polar, at codon 6746 of the SYNE1 protein (p.Arg6746Gln). This variant is present in population databases (rs201037542, gnomAD 0.007%). This variant has not been reported in the literature in individuals affected with SYNE1-related conditions. ClinVar contains an entry for this variant (Variation ID: 2049699). An algorithm developed to predict the effect of missense changes on protein structure and function (PolyPhen-2) suggests that this variant¬¨‚Ä†is likely to be tolerated. In summary, the available evidence is currently insufficient to determine the role of this variant in disease. Therefore, it has been classified as a Variant of Uncertain Significance.